The following is an entry in ClinVar:

NM_001379286.1(ZNF423):c.40+33059A>G

Gene: ZNF423 (zinc finger protein 423; minus strand). Cytogenetic location: 16q12.1.
Variant type: single nucleotide variant.
Coding change: c.40+33059A>G on transcript NM_001379286.1 (MANE Select); 33059 bases into the intron after coding-DNA position 40, A replaced by G.
Molecular consequence: intron variant. On other transcripts: missense variant (1).
Genome position (GRCh38, 1-based): chr16:49,822,676, T>C on the plus strand (A>G on the coding strand, the complement: ZNF423 is on the minus strand). VCF-style: chr16-49822676-T-C. GRCh37 (hg19) VCF-style: chr16-49856587-T-C.
Other names: c.10A>G (NM_015069.4); c.10A>G, p.Lys4Glu (NM_015069.5); c.-164-33130A>G (NM_001271620.2); short protein forms K4E.
Identifiers: ClinVar variation 1018763 (VCV001018763.7), dbSNP rs147713709, ClinGen allele CA8047010.

ClinVar aggregate classification (germline): Uncertain significance. Review status: criteria provided, multiple submitters, no conflicts (2 of 4 stars). 2 submissions from 2 submitters: Uncertain significance (2). Last evaluated 2025-11-06.

Conditions:
ZNF423-related disorder. Also called: ZNF423-related condition.
Nephronophthisis 14 (NPHP14). Identifiers: Orphanet 2318, MedGen C3539071, MONDO:0013916, OMIM 614844.

Allele frequency attached by ClinVar (database versions not stated): gnomAD 0.00006 and 0.00007; TOPMed 0.00006; ESP Exome Variant Server 0.00008; gnomAD exomes 0.00010 and 0.00020; ExAC 0.00012.
gnomAD v4.1: 287 of 1,612,094 alleles (0.018%); highest among the groups gnomAD compares: Non-Finnish European, 0.024%; no homozygotes.

Submissions (2):

PreventionGenetics, part of Exact Sciences
Classification: Uncertain significance for ZNF423-related condition. Last evaluated: 2025-11-06. Review status: criteria provided, single submitter. Criteria: ACMG Guidelines, 2015. Collection method: clinical testing. Allele origin: germline.
Comment: The ZNF423 c.10A>G variant is predicted to result in the amino acid substitution p.Lys4Glu. To our knowledge, this variant has not been reported in the literature. This variant is reported in 0.019% of alleles in individuals of European (Non-Finnish) descent in gnomAD. At this time, the clinical significance of this variant is uncertain due to the absence of conclusive functional and genetic evidence.

Labcorp Genetics (formerly Invitae), Labcorp
Classification: Uncertain significance for Nephronophthisis 14. Last evaluated: 2022-07-17. Review status: criteria provided, single submitter. Criteria: Invitae Variant Classification Sherloc (09022015). Collection method: clinical testing. Allele origin: germline.
Comment: This sequence change replaces lysine, which is basic and polar, with glutamic acid, which is acidic and polar, at codon 4 of the ZNF423 protein (p.Lys4Glu). This variant is present in population databases (rs147713709, gnomAD 0.02%). This variant has not been reported in the literature in individuals affected with ZNF423-related conditions. ClinVar contains an entry for this variant (Variation ID: 1018763). Algorithms developed to predict the effect of missense changes on protein structure and function output the following: SIFT: "Tolerated"; PolyPhen-2: "Benign"; Align-GVGD: "Class C0". The glutamic acid amino acid residue is found in multiple mammalian species, which suggests that this missense change does not adversely affect protein function. In summary, the available evidence is currently insufficient to determine the role of this variant in disease. Therefore, it has been classified as a Variant of Uncertain Significance.